The following is an entry in ClinVar:

ClinVar aggregate classification (germline): Benign. Review status: criteria provided, single submitter (1 of 4 stars). 2 submissions from 2 submitters: Benign (1). 1 of the submissions does not count toward it. Last evaluated 2024-09-16.

Conditions:
B3GLCT-related disorder. Also called: B3GLCT-related condition.
Peters plus syndrome. Also called: KRAUSE-KIVLIN SYNDROME. Identifiers: Orphanet 709, MedGen C0796012, MONDO:0009856, OMIM 261540.

Allele frequency attached by ClinVar (database versions not stated): gnomAD 0.00007 and 0.00009; gnomAD exomes 0.00008 and 0.00023; TOPMed 0.00009; 1000 Genomes Project 30x 0.00016; ExAC 0.00017; 1000 Genomes Project 0.00020.
gnomAD v4.1: 125 of 1,613,586 alleles (0.0077%); highest among the groups gnomAD compares: East Asian, 0.16%; 2 homozygotes.

Submissions (2):

Labcorp Genetics (formerly Invitae), Labcorp
Classification: Benign for Peters plus syndrome. Last evaluated: 2024-09-16. Review status: criteria provided, single submitter. Criteria: Invitae Variant Classification Sherloc (09022015). Collection method: clinical testing. Allele origin: germline.

PreventionGenetics, part of Exact Sciences
Classification: Likely benign for B3GLCT-related condition. Last evaluated: 2020-05-05. Review status: no assertion criteria provided. Collection method: clinical testing. Allele origin: germline. Not counted in ClinVar's aggregate classification.
Comment: This variant is classified as likely benign based on ACMG/AMP sequence variant interpretation guidelines (Richards et al. 2015 PMID: 25741868, with internal and published modifications).

NM_194318.4(B3GLCT):c.315A>G (p.Glu105=)

Gene: B3GLCT (beta 3-glucosyltransferase; plus strand). Cytogenetic location: 13q12.3.
Variant type: single nucleotide variant.
Coding change: c.315A>G on transcript NM_194318.4 (MANE Select); coding-DNA position 315, A replaced by G.
Protein change: p.Glu105=; no amino-acid change (glutamic acid 105 retained).
Molecular consequence: synonymous variant.
Genome position (GRCh38, 1-based): chr13:31,247,067, A>G. VCF-style: chr13-31247067-A-G. GRCh37 (hg19) VCF-style: chr13-31821204-A-G.
Identifiers: ClinVar variation 742031 (VCV000742031.13), dbSNP rs200376294, ClinGen allele CA6936549.
Genomic context (GRCh38, chr13:31,247,067, plus strand): 5'-ATCATTGTTTTCTCAGGAGCTCCCCAGTGTCCTCCTCCTTCATCAGCTGGCTAAACAAGA[A>G]GGTGCATGGACCATACTTCCGTTGTTACCGCAGTACGTTTGTTTAACTCACCTGTGAATT-3'
Protein context (NP_919299.3, residues 95-115): VLLLHQLAKQ[Glu105=]GAWTILPLLP